The following is an entry in ClinVar:

NM_000875.5(IGF1R):c.2700C>T (p.Asn900=)

Gene: IGF1R (insulin like growth factor 1 receptor; plus strand). Cytogenetic location: 15q26.3.
Variant type: single nucleotide variant.
Coding change: c.2700C>T on transcript NM_000875.5 (MANE Select); coding-DNA position 2700, C replaced by T.
Protein change: p.Asn900=; no amino-acid change (asparagine 900 retained).
Molecular consequence: synonymous variant.
Genome position (GRCh38, 1-based): chr15:98,924,602, C>T. VCF-style: chr15-98924602-C-T. GRCh37 (hg19) VCF-style: chr15-99467831-C-T.
Other names: c.2700C>T, p.Asn900= (NM_001291858.2).
Identifiers: ClinVar variation 194185 (VCV000194185.43), dbSNP rs56400113, ClinGen allele CA201016.

ClinVar aggregate classification (germline): Benign/Likely benign. Review status: criteria provided, multiple submitters, no conflicts (2 of 4 stars). 6 submissions from 6 submitters: Benign (3); Likely benign (3). Last evaluated 2026-07-01.

Conditions:
Growth delay due to insulin-like growth factor I resistance. Also called: Insulin-Like Growth Factor I Resistance; Somatomedin end-organ insensitivity to; Somatomedin-c resistance to; IGF-1 resistance; IGF-I RESISTANCE. Identifiers: Orphanet 73273, MedGen C1849157, MONDO:0010038, OMIM 270450.

Allele frequency attached by ClinVar (database versions not stated): 1000 Genomes Project 30x 0.00219; 1000 Genomes Project 0.00260; TOPMed 0.00366; ESP Exome Variant Server 0.00554; ExAC 0.00677; gnomAD 0.00721 and 0.00749; gnomAD exomes 0.00721.
gnomAD v4.1: 10,679 of 1,614,036 alleles (0.66%); highest among the groups gnomAD compares: Non-Finnish European, 0.64%; 90 homozygotes.

Submissions (6):

CeGaT Center for Human Genetics Tuebingen
Classification: Likely benign. Last evaluated: 2026-07-01. Review status: criteria provided, single submitter. Criteria: CeGaT Center For Human Genetics Tuebingen Variant Classification Criteria Version 2. Collection method: clinical testing. Allele origin: germline. Affected: yes. Observed: 21 variant alleles.
Comment: IGF1R: BP4, BS2

Women's Health and Genetics/Laboratory Corporation of America, LabCorp
Classification: Benign. Last evaluated: 2026-05-11. Review status: criteria provided, single submitter. Criteria: LabCorp Variant Classification Summary - May 2015. Collection method: clinical testing. Allele origin: germline.

Labcorp Genetics (formerly Invitae), Labcorp
Classification: Benign. Last evaluated: 2026-01-12. Review status: criteria provided, single submitter. Criteria: Invitae Variant Classification Sherloc (09022015). Collection method: clinical testing. Allele origin: germline.

Illumina Laboratory Services, Illumina
Classification: Likely benign for Growth delay due to insulin-like growth factor I resistance. Last evaluated: 2018-01-13. Review status: criteria provided, single submitter. Criteria: ICSL Variant Classification Criteria 13 December 2019. Collection method: clinical testing. Allele origin: germline.
Comment: This variant was observed in the ICSL laboratory as part of a predisposition screen in an ostensibly healthy population. It had not been previously curated by ICSL or reported in the Human Gene Mutation Database (HGMD: prior to June 1st, 2018), and was therefore a candidate for classification through an automated scoring system. Utilizing variant allele frequency, disease prevalence and penetrance estimates, and inheritance mode, an automated score was calculated to assess if this variant is too frequent to cause the disease. Based on the score and internal cut-off values, a variant classified as likely benign is not then subjected to further curation. The score for this variant resulted in a classification of likely benign for this disease.

Eurofins Ntd Llc (ga)
Classification: Benign. Last evaluated: 2015-05-26. Review status: criteria provided, single submitter. Criteria: EGL Classification Definitions 2015. Collection method: clinical testing. Allele origin: germline. Observed: 1 variant allele, 1 heterozygote.

Breakthrough Genomics
Classification: Likely benign. Review status: criteria provided, single submitter. Criteria: ACMG Guidelines, 2015. Collection method: not provided. Allele origin: germline. Inheritance: Autosomal dominant inheritance. Affected: yes.